The following is an entry in ClinVar:

ClinVar aggregate classification (germline): Conflicting classifications of pathogenicity. Review status: criteria provided, conflicting classifications (1 of 4 stars). 2 submissions from 2 submitters: Pathogenic (1); Uncertain significance (1). Last evaluated 2026-01-30.

Conditions:
Hereditary cancer-predisposing syndrome. Also called: Tumor predisposition; Hereditary Cancer Syndrome; Neoplastic Syndromes, Hereditary; Hereditary neoplastic syndrome. Identifiers: Orphanet 140162, MedGen C0027672, MeSH D009386, MONDO:0015356.

Submissions (2):

Ambry Genetics
Classification: Uncertain significance for Hereditary cancer-predisposing syndrome. Last evaluated: 2026-01-30. Review status: criteria provided, single submitter. Criteria: Ambry Variant Classification Scheme 2023. Collection method: clinical testing. Allele origin: germline.
Comment: The c.5932_5942del11 variant, located in coding exon 43 of the POLE gene, results from a deletion of 11 nucleotides at nucleotide positions 5932 to 5942, causing a translational frameshift with a predicted alternate stop codon (p.N1978Hfs*77). This alteration is expected to result in loss of function by premature protein truncation or nonsense-mediated mRNA decay. Although biallelic loss of function of POLE has been associated with autosomal recessive POLE deficiency, haploinsufficiency of POLE has not been established as a mechanism of disease for POLE-related polymerase proofreading-associated polyposis (PPAP) and POLE-related CMMRD-like syndrome. Based on the supporting evidence, this variant is expected to be causative of POLE deficiency when present along with a second pathogenic variant on the other allele; however, its clinical significance for PPAP and POLE-related CMMRD-like syndrome is unclear.

Labcorp Genetics (formerly Invitae), Labcorp
Classification: Pathogenic. Last evaluated: 2022-05-11. Review status: criteria provided, single submitter. Criteria: Invitae Variant Classification Sherloc (09022015). Collection method: clinical testing. Allele origin: germline.
Comment: For these reasons, this variant has been classified as Pathogenic. ClinVar contains an entry for this variant (Variation ID: 540693). This variant has not been reported in the literature in individuals affected with POLE-related conditions. This variant is not present in population databases (gnomAD no frequency). This sequence change creates a premature translational stop signal (p.Asn1978Hisfs*77) in the POLE gene. It is expected to result in an absent or disrupted protein product. Loss-of-function variants in POLE are known to be pathogenic (PMID: 23230001, 25948378, 30503519).

Literature cited by the submitters: PubMed 23230001 (cited by Labcorp Genetics (formerly Invitae), Labcorp); PubMed 25948378 (cited by Labcorp Genetics (formerly Invitae), Labcorp); PubMed 30503519 (cited by Labcorp Genetics (formerly Invitae), Labcorp).

NM_006231.4(POLE):c.5932_5942del (p.Asn1978fs)

Gene: POLE (DNA polymerase epsilon, catalytic subunit; minus strand). Cytogenetic location: 12q24.33.
Variant type: Deletion.
Coding change: c.5932_5942del on transcript NM_006231.4 (MANE Select); coding-DNA positions 5932 to 5942, 11 bases deleted (AACAACTGGAA).
Protein change: p.Asn1978fs; shifts the reading frame from asparagine 1978.
Molecular consequence: frameshift variant.
Genome position (GRCh38, 1-based): chr12:132,634,248-132,634,258, TTCCAGTTGTT deleted on the plus strand (AACAACTGGAA on the coding strand, the reverse complement: POLE is on the minus strand); deleting any 11 consecutive bases within chr12:132,634,248-132,634,265 gives the same sequence; the c. name uses the placement nearest the transcript's 3' end. VCF-style (leftmost placement, unchanged base first): chr12-132634247-GTTCCAGTTGTT-G. GRCh37 (hg19) VCF-style: chr12-133210833-GTTCCAGTTGTT-G.
Other names: c.5932_5942del11 (NM_006231.2); c.5932_5942delAACAACTGGAA (NM_006231.3); short protein forms N1978fs.
Identifiers: ClinVar variation 540693 (VCV000540693.9), dbSNP rs1555221197, ClinGen allele CA658798015.